The following is an entry in ClinVar:

ClinVar aggregate classification (germline): Uncertain significance. Review status: criteria provided, multiple submitters, no conflicts (2 of 4 stars). 3 submissions from 2 submitters: Uncertain significance (3). Last evaluated 2026-02-15.

Conditions:
Junctional epidermolysis bullosa gravis of Herlitz. Also called: JEB-HERLITZ TYPE; Herlitz-type junctional epidermolysis bullosa; Epidermolysis Bullosa Letalis; EPIDERMOLYSIS BULLOSA, JUNCTIONAL 1B, SEVERE; EPIDERMOLYSIS BULLOSA JUNCTIONALIS, HERLITZ TYPE; EPIDERMOLYSIS BULLOSA, JUNCTIONAL, HERLITZ-PEARSON TYPE. Identifiers: Orphanet 79404, MedGen C0079683, MONDO:0009182, OMIM 226700.
LAMA3-related disorder. Also called: LAMA3-related disorders; LAMA3-related condition.
Laryngo-onycho-cutaneous syndrome (JEB2C). Also called: SHABBIR SYNDROME; LOGIC SYNDROME; EPIDERMOLYSIS BULLOSA, JUNCTIONAL 2C, LARYNGOONYCHOCUTANEOUS. Identifiers: Orphanet 2407, MedGen C1328355, MONDO:0009513, OMIM 245660.

Allele frequency attached by ClinVar (database versions not stated): gnomAD 0.00007 and 0.00008; TOPMed 0.00011.
gnomAD v4.1: 98 of 1,609,788 alleles (0.0061%); highest among the groups gnomAD compares: South Asian, 0.048%; no homozygotes.

Submissions (3):

PreventionGenetics, part of Exact Sciences
Classification: Uncertain significance for LAMA3-related condition. Last evaluated: 2026-02-15. Review status: criteria provided, single submitter. Criteria: ACMG Guidelines, 2015. Collection method: clinical testing. Allele origin: germline.
Comment: The LAMA3 c.1463C>T variant is predicted to result in the amino acid substitution p.Ala488Val. To our knowledge, this variant has not been reported in the literature. This variant is reported in 0.033% of alleles in individuals of South Asian descent in gnomAD. At this time, the clinical significance of this variant is uncertain due to the absence of conclusive functional and genetic evidence.

Illumina Laboratory Services, Illumina
Classification: Uncertain significance for Junctional epidermolysis bullosa gravis of Herlitz. Last evaluated: 2018-01-13. Review status: criteria provided, single submitter. Criteria: ICSL Variant Classification Criteria 13 December 2019. Collection method: clinical testing. Allele origin: germline.

Illumina Laboratory Services, Illumina
Classification: Uncertain significance for Laryngo-onycho-cutaneous syndrome. Last evaluated: 2018-01-13. Review status: criteria provided, single submitter. Criteria: ICSL Variant Classification Criteria 13 December 2019. Collection method: clinical testing. Allele origin: germline.

NM_198129.4(LAMA3):c.6290C>T (p.Ala2097Val)

Gene: LAMA3 (laminin subunit alpha 3; plus strand). Cytogenetic location: 18q11.2.
Variant type: single nucleotide variant.
Coding change: c.6290C>T on transcript NM_198129.4 (MANE Select); coding-DNA position 6290, C replaced by T.
Protein change: p.Ala2097Val; replaces alanine 2097 with valine.
Molecular consequence: missense variant.
Genome position (GRCh38, 1-based): chr18:23,903,097, C>T. VCF-style: chr18-23903097-C-T. GRCh37 (hg19) VCF-style: chr18-21483061-C-T.
Other names: c.1463C>T, p.Ala488Val (NM_000227.6); c.6122C>T, p.Ala2041Val (NM_001127717.4); c.1295C>T, p.Ala432Val (NM_001127718.4); c.1463C>T (NM_000227.4); short protein forms A488V, A2097V, A432V, A2041V.
Identifiers: ClinVar variation 888642 (VCV000888642.5), dbSNP rs763137413, ClinGen allele CA8916325.